The following is an entry in ClinVar:

ClinVar aggregate classification (germline): Likely benign. Review status: criteria provided, multiple submitters, no conflicts (2 of 4 stars). 2 submissions from 2 submitters: Likely benign (2). Last evaluated 2024-01-01.

Allele frequency attached by ClinVar (database versions not stated): TOPMed below 0.00001; gnomAD exomes 0.00001.
gnomAD v4.1: 8 of 1,614,112 alleles (0.0005%); highest among the groups gnomAD compares: Non-Finnish European, 0.00068%; no homozygotes.

Submissions (2):

CeGaT Center for Human Genetics Tuebingen
Classification: Likely benign. Last evaluated: 2024-01-01. Review status: criteria provided, single submitter. Criteria: CeGaT Center For Human Genetics Tuebingen Variant Classification Criteria Version 2. Collection method: clinical testing. Allele origin: germline. Affected: yes. Observed: 1 variant allele.
Comment: FAT4: PM2:Supporting, BP4, BP7

Labcorp Genetics (formerly Invitae), Labcorp
Classification: Likely benign. Last evaluated: 2023-10-23. Review status: criteria provided, single submitter. Criteria: Invitae Variant Classification Sherloc (09022015). Collection method: clinical testing. Allele origin: germline.

NM_001291303.3(FAT4):c.12045C>T (p.Tyr4015=)

Gene: FAT4 (FAT atypical cadherin 4; plus strand). Cytogenetic location: 4q28.1.
Variant type: single nucleotide variant.
Coding change: c.12045C>T on transcript NM_001291303.3 (MANE Select); coding-DNA position 12045, C replaced by T.
Protein change: p.Tyr4015=; no amino-acid change (tyrosine 4015 retained).
Molecular consequence: synonymous variant.
Genome position (GRCh38, 1-based): chr4:125,468,651, C>T. VCF-style: chr4-125468651-C-T. GRCh37 (hg19) VCF-style: chr4-126389806-C-T.
Other names: c.12045C>T, p.Tyr4015= (NM_001291285.3); c.12039C>T, p.Tyr4013= (NM_024582.6).
Identifiers: ClinVar variation 2966801 (VCV002966801.25), dbSNP rs962551463, ClinGen allele CA104860369.